The following is an entry in ClinVar:

ClinVar aggregate classification (germline): Pathogenic (1 of 4 stars; one submission).

Conditions:
Neurofibromatosis, type 1 (NF1). Also called: NEUROFIBROMATOSIS, TYPE I, SOMATIC; VON RECKLINGHAUSEN DISEASE; Peripheral type neurofibromatosis; Neurofibromatosis, type I. Identifiers: Orphanet 636, MedGen C0027831, MONDO:0018975, OMIM 162200. Disease mechanism: loss of function.

Submission:

Labcorp Genetics (formerly Invitae), Labcorp
Classification: Pathogenic for Neurofibromatosis, type 1. Last evaluated: 2025-04-22. Review status: criteria provided, single submitter. Criteria: Invitae Variant Classification Sherloc (09022015). Collection method: clinical testing. Allele origin: germline.
Comment: This sequence change creates a premature translational stop signal (p.Glu806*) in the NF1 gene. It is expected to result in an absent or disrupted protein product. Loss-of-function variants in NF1 are known to be pathogenic (PMID: 10712197, 23913538). This variant is not present in population databases (gnomAD no frequency). This variant has not been reported in the literature in individuals affected with NF1-related conditions. For these reasons, this variant has been classified as Pathogenic.

Literature cited by the submitters: PubMed 10712197; PubMed 23913538.

NM_001042492.3(NF1):c.2416G>T (p.Glu806Ter)

Gene: NF1 (neurofibromin 1; plus strand). Cytogenetic location: 17q11.2.
Variant type: single nucleotide variant.
Coding change: c.2416G>T on transcript NM_001042492.3 (MANE Select); coding-DNA position 2416, G replaced by T.
Protein change: p.Glu806Ter; replaces glutamic acid 806 with a stop codon.
Molecular consequence: nonsense.
Genome position (GRCh38, 1-based): chr17:31,229,031, G>T. VCF-style: chr17-31229031-G-T. GRCh37 (hg19) VCF-style: chr17-29556049-G-T.
Other names: c.2416G>T, p.Glu806Ter (NM_000267.4); short protein forms E806*.
Identifiers: ClinVar variation 4718160 (VCV004718160.1).
Genomic context (GRCh38, chr17:31,229,031, plus strand): 5'-AGTCTCAACTAATTAAGGTTTAATTCATGCTTTGCACAAAAATTTTGTGTTTAGGCTGCT[G>T]AAAGCCTTCACAAGACCATTGTTAAGAGGCGAATGTCCCATGTGAGTGGAGGAGGATCCA-3'